The following is an entry in ClinVar:

NM_183050.4(BCKDHB):c.389T>C (p.Val130Ala)

Gene: BCKDHB (branched chain keto acid dehydrogenase E1 subunit beta; plus strand). Cytogenetic location: 6q14.1.
Variant type: single nucleotide variant.
Coding change: c.389T>C on transcript NM_183050.4 (MANE Select); coding-DNA position 389, T replaced by C.
Protein change: p.Val130Ala; replaces valine 130 with alanine.
Molecular consequence: missense variant. On other transcripts: non-coding transcript variant (1).
Genome position (GRCh38, 1-based): chr6:80,167,723, T>C. VCF-style: chr6-80167723-T-C. GRCh37 (hg19) VCF-style: chr6-80877440-T-C.
Other names: c.389T>C (NM_183050.2); c.389T>C, p.Val130Ala (NM_000056.5); c.179T>C, p.Val60Ala (NM_001318975.1); short protein forms V130A, V60A.
Identifiers: ClinVar variation 1961101 (VCV001961101.6), dbSNP rs2481882911, ClinGen allele CA364660453.

ClinVar aggregate classification (germline): Uncertain significance. Review status: criteria provided, multiple submitters, no conflicts (2 of 4 stars). 2 submissions from 2 submitters: Uncertain significance (2). Last evaluated 2025-09-25.

Conditions:
Inborn genetic diseases. Identifiers: MedGen C0950123, MeSH D030342.
Maple syrup urine disease (MSUD). Identifiers: Orphanet 511, MedGen C0024776, MeSH D008375, MONDO:0009563. Disease mechanism: loss of function.

Allele frequency attached by ClinVar (database versions not stated): gnomAD exomes below 0.00001.
gnomAD v4.1: 7 of 1,612,200 alleles (0.00043%); highest among the groups gnomAD compares: Non-Finnish European, 0.00051%; no homozygotes.

Submissions (2):

Ambry Genetics
Classification: Uncertain significance for Inborn genetic diseases. Last evaluated: 2025-09-25. Review status: criteria provided, single submitter. Criteria: Ambry Variant Classification Scheme 2023. Collection method: clinical testing. Allele origin: germline.

Labcorp Genetics (formerly Invitae), Labcorp
Classification: Uncertain significance for Maple syrup urine disease. Last evaluated: 2023-07-07. Review status: criteria provided, single submitter. Criteria: Invitae Variant Classification Sherloc (09022015). Collection method: clinical testing. Allele origin: germline.
Comment: Advanced modeling of protein sequence and biophysical properties (such as structural, functional, and spatial information, amino acid conservation, physicochemical variation, residue mobility, and thermodynamic stability) performed at Invitae indicates that this missense variant is not expected to disrupt BCKDHB protein function. In summary, the available evidence is currently insufficient to determine the role of this variant in disease. Therefore, it has been classified as a Variant of Uncertain Significance. This variant has not been reported in the literature in individuals affected with BCKDHB-related conditions. This sequence change replaces valine, which is neutral and non-polar, with alanine, which is neutral and non-polar, at codon 130 of the BCKDHB protein (p.Val130Ala). This variant is not present in population databases (gnomAD no frequency). ClinVar contains an entry for this variant (Variation ID: 1961101).